The following is an entry in ClinVar:

NM_174936.4(PCSK9):c.75del (p.Ala26fs)

Gene: PCSK9 (proprotein convertase subtilisin/kexin type 9; plus strand). Cytogenetic location: 1p32.3.
Variant type: Deletion.
Coding change: c.75del on transcript NM_174936.4 (MANE Select); coding-DNA position 75, one base deleted (C; older notation c.75delC).
Protein change: p.Ala26fs; shifts the reading frame from alanine 26.
Molecular consequence: frameshift variant. On other transcripts: 5 prime UTR variant (1), non-coding transcript variant (8).
Genome position (GRCh38, 1-based): chr1:55,039,912, C deleted; the last of 3 consecutive C bases (chr1:55,039,910-55,039,912); deleting any one gives the same sequence. VCF-style (leftmost placement, unchanged base first): chr1-55039909-TC-T. GRCh37 (hg19) VCF-style: chr1-55505582-TC-T.
Other names: c.75del, p.Ala26fs (NM_001407240.1, NM_001407241.1, NM_001407242.1 and 4 more transcripts); c.-660del (NM_001407246.1); short protein forms A26fs.
Identifiers: ClinVar variation 3075405 (VCV003075405.1), dbSNP rs775052433, ClinGen allele CA044217.

ClinVar aggregate classification (germline): Likely benign (1 of 4 stars; one submission).

Conditions:
Hypercholesterolemia, autosomal dominant, 3 (FHCL3). Also called: Familial Hypercholesterolemia, Autosomal Dominant, 3; PCSK9-Related Familial Hypercholesterolemia, Autosomal Dominant; Familial hypercholesterolemia 3. Identifiers: MedGen C1863551, MONDO:0011369, OMIM 603776.

Submission:

All of Us Research Program, National Institutes of Health
Classification: Likely benign for Hypercholesterolemia, autosomal dominant, 3. Last evaluated: 2024-02-05. Review status: criteria provided, single submitter. Criteria: ACMG Guidelines, 2015. Collection method: clinical testing. Allele origin: germline. Inheritance: Autosomal dominant inheritance. Observed: 1 variant allele, 1 heterozygote.
Comment: This study involves interpretation of variants in research participants for the purpose of population health screening. Participant phenotype was not available at the time of variant classification. Additional details can be found in publication PMID: 35346344, PMCID: PMC8962531